The following is an entry in ClinVar:

NM_024312.5(GNPTAB):c.1409-3C>T

Gene: GNPTAB (N-acetylglucosamine-1-phosphate transferase subunits alpha and beta; minus strand). Cytogenetic location: 12q23.2.
Variant type: single nucleotide variant.
Coding change: c.1409-3C>T on transcript NM_024312.5 (MANE Select); 3 bases into the intron before coding-DNA position 1409, C replaced by T.
Molecular consequence: intron variant.
Genome position (GRCh38, 1-based): chr12:101,766,297, G>A on the plus strand (C>T on the coding strand, the complement: GNPTAB is on the minus strand). VCF-style: chr12-101766297-G-A. GRCh37 (hg19) VCF-style: chr12-102160075-G-A.
Identifiers: ClinVar variation 2415431 (VCV002415431.3), dbSNP rs374885822, ClinGen allele CA242460159.

ClinVar aggregate classification (germline): Uncertain significance (1 of 4 stars; one submission).

Conditions:
Mucolipidosis type II. Also called: ML II ALPHA/BETA; Mucolipidosis 2; ML 2; Inclusion cell disease; Leroy Disease; N-acetylglucosamine 1phosphotransferase deficiency. Identifiers: Orphanet 576, MedGen C2673377, MONDO:0009650, OMIM 252500.
Pseudo-Hurler polydystrophy. Also called: ML III; ML III ALPHA/BETA; Type III Mucolipidosis; ML IIIA; Mucolipidosis III Alpha/Beta; MUCOLIPIDOSIS IIIA. Identifiers: Orphanet 423461, Orphanet 577, MedGen C0033788, MONDO:0018931, OMIM 252600.

Allele frequency attached by ClinVar (database versions not stated): gnomAD exomes below 0.00001; gnomAD 0.00001; TOPMed 0.00001; ESP Exome Variant Server 0.00008.
gnomAD v4.1: 3 of 1,611,166 alleles (0.00019%); highest among the groups gnomAD compares: African/African-American, 0.0013%; no homozygotes.

Submission:

Labcorp Genetics (formerly Invitae), Labcorp
Classification: Uncertain significance for Pseudo-Hurler polydystrophy; Mucolipidosis type II. Last evaluated: 2025-11-10. Review status: criteria provided, single submitter. Criteria: Invitae Variant Classification Sherloc (09022015). Collection method: clinical testing. Allele origin: germline.
Comment: This sequence change falls in intron 11 of the GNPTAB gene. It does not directly change the encoded amino acid sequence of the GNPTAB protein. It affects a nucleotide within the consensus splice site. This variant is not present in population databases (gnomAD no frequency). This variant has not been reported in the literature in individuals affected with GNPTAB-related conditions. ClinVar contains an entry for this variant (Variation ID: 2415431). Variants that disrupt the consensus splice site are a relatively common cause of aberrant splicing (PMID: 17576681, 9536098). Algorithms developed to predict the effect of sequence changes on RNA splicing suggest that this variant is not likely to affect RNA splicing. In summary, the available evidence is currently insufficient to determine the role of this variant in disease. Therefore, it has been classified as a Variant of Uncertain Significance.

Literature cited by the submitters: PubMed 17576681; PubMed 9536098.